The following is an entry in ClinVar:

NC_012920.1(MT-CO2):m.7853G>A

Gene: MT-CO2 (mitochondrially encoded cytochrome c oxidase II; plus strand).
Variant type: single nucleotide variant.
Genome position: chrM-7853-G-A.
Identifiers: ClinVar variation 692788 (VCV000692788.2), dbSNP rs386420037, ClinGen allele CA337097710.

ClinVar aggregate classification (germline): Benign/Likely benign. Review status: criteria provided, multiple submitters, no conflicts (2 of 4 stars). 2 submissions from 2 submitters: Benign (1); Likely benign (1). Last evaluated 2025-02-16.

Conditions:
Leigh syndrome (NULS). Also called: Leigh's necrotizing encephalopathy; Leigh's disease; Leigh Syndrome (mtDNA deletion); Leigh Disease; Subacute necrotizing encephalopathy; Necrotizing encephalopathy infantile subacute of Leigh. Identifiers: Orphanet 506, MedGen C2931891, MONDO:0009723, OMIM 256000.

Submissions (2):

Laboratory of Genetics, Children's Clinical University Hospital Latvia
Classification: Likely benign. Last evaluated: 2025-02-16. Review status: criteria provided, single submitter. Criteria: ACMG Guidelines, 2015. Collection method: clinical testing. Allele origin: germline. Affected: yes.

Wong Mito Lab, Molecular and Human Genetics, Baylor College of Medicine
Classification: Benign for Leigh syndrome. Last evaluated: 2019-10-17. Review status: criteria provided, single submitter. Criteria: Modified ACMG Guidelines (Unpublished). Collection method: clinical testing. Allele origin: germline.
Comment: The NC_012920.1:m.7853G>A (YP_003024029.1:p.Val90Ile) variant in MTCO2 gene is interpretated to be a Benign variant based on the modified ACMG guidelines (unpublished). This variant meets the following evidence codes: BA1